The following is an entry in ClinVar:

NM_003000.3(SDHB):c.511C>T (p.Leu171=)

Gene: SDHB (succinate dehydrogenase complex iron sulfur subunit B; minus strand). Cytogenetic location: 1p36.13.
Variant type: single nucleotide variant.
Coding change: c.511C>T on transcript NM_003000.3 (MANE Select); coding-DNA position 511, C replaced by T.
Protein change: p.Leu171=; no amino-acid change (leucine 171 retained).
Molecular consequence: synonymous variant.
Genome position (GRCh38, 1-based): chr1:17,027,778, G>A on the plus strand (C>T on the coding strand, the complement: SDHB is on the minus strand). VCF-style: chr1-17027778-G-A. GRCh37 (hg19) VCF-style: chr1-17354273-G-A.
Identifiers: ClinVar variation 1643371 (VCV001643371.12), dbSNP rs780870337, ClinGen allele CA089636.

ClinVar aggregate classification (germline): Benign/Likely benign. Review status: criteria provided, multiple submitters, no conflicts (2 of 4 stars). 4 submissions from 4 submitters: Benign (1); Likely benign (3). Last evaluated 2026-04-29.

Conditions:
Hereditary cancer-predisposing syndrome. Also called: Tumor predisposition; Hereditary Cancer Syndrome; Neoplastic Syndromes, Hereditary; Hereditary neoplastic syndrome. Identifiers: Orphanet 140162, MedGen C0027672, MeSH D009386, MONDO:0015356.
Pheochromocytoma/paraganglioma syndrome 4. Also called: PARAGANGLIOMA, FAMILIAL MALIGNANT; PARAGANGLIOMAS, HEREDITARY EXTRAADRENAL; PHEOCHROMOCYTOMA, FAMILIAL EXTRAADRENAL; Paragangliomas 4; CAROTID BODY TUMORS AND MULTIPLE EXTRAADRENAL PHEOCHROMOCYTOMAS; SDHB-Related Hereditary Paraganglioma-Pheochromocytoma Syndrome (Paragangliomas 4). Identifiers: Orphanet 29072, MedGen C1861848, MONDO:0007273, OMIM 115310.
SDHB-related disorder. Also called: SDHB-related condition; SDHB-related disorders. Identifiers: MedGen CN239418.
Gastrointestinal stromal tumor. Also called: Gastrointestinal stromal tumor, somatic; Gastrointestinal stroma tumor. Identifiers: Orphanet 44890, MedGen C0238198, MeSH D046152, MONDO:0011719, OMIM 606764, HP:0100723.
Pheochromocytoma. Also called: MAX-Related Hereditary Paraganglioma-Pheochromocytoma Syndrome. Identifiers: Orphanet 29072, MedGen C0031511, MONDO:0008233, OMIM 171300, HP:0002666.

Allele frequency attached by ClinVar (database versions not stated): TOPMed below 0.00001; ExAC 0.00001; gnomAD exomes below 0.00001.
gnomAD v4.1: 2 of 1,608,900 alleles (0.00012%); highest among the groups gnomAD compares: South Asian, 0.0022%; no homozygotes.

Submissions (4):

PreventionGenetics, part of Exact Sciences
Classification: Likely benign for SDHB-related condition. Last evaluated: 2026-04-29. Review status: criteria provided, single submitter. Criteria: ACMG Guidelines, 2015. Collection method: clinical testing. Allele origin: germline.
Comment: This variant is classified as likely benign based on ACMG/AMP sequence variant interpretation guidelines (Richards et al. 2015 PMID: 25741868, with internal and published modifications).

Myriad Genetics, Inc.
Classification: Benign for Pheochromocytoma/paraganglioma syndrome 4. Last evaluated: 2025-03-13. Review status: criteria provided, single submitter. Criteria: Myriad Autosomal Dominant, Autosomal Recessive and X-Linked Classification Criteria (2023). Collection method: clinical testing. Allele origin: unknown.
Comment: This variant is considered benign. This variant is a silent/synonymous amino acid change and it is not expected to impact splicing.

Labcorp Genetics (formerly Invitae), Labcorp
Classification: Likely benign for Gastrointestinal stromal tumor; Pheochromocytoma/paraganglioma syndrome 4; Pheochromocytoma. Last evaluated: 2024-10-07. Review status: criteria provided, single submitter. Criteria: Invitae Variant Classification Sherloc (09022015). Collection method: clinical testing. Allele origin: germline.

Ambry Genetics
Classification: Likely benign for Hereditary cancer-predisposing syndrome. Last evaluated: 2019-11-04. Review status: criteria provided, single submitter. Criteria: Ambry Variant Classification Scheme 2023. Collection method: clinical testing. Allele origin: germline.